The following is an entry in ClinVar:

NM_001283009.2(RTEL1):c.2284C>G (p.Arg762Gly)

Genes: RTEL1-TNFRSF6B (RTEL1-TNFRSF6B readthrough (NMD candidate); plus strand), RTEL1 (regulator of telomere elongation helicase 1; plus strand). Cytogenetic location: 20q13.33.
Variant type: single nucleotide variant.
Coding change: c.2284C>G on transcript NM_001283009.2 (MANE Select); coding-DNA position 2284, C replaced by G.
Protein change: p.Arg762Gly; replaces arginine 762 with glycine.
Molecular consequence: missense variant. On other transcripts: non-coding transcript variant (1).
Genome position (GRCh38, 1-based): chr20:63,690,312, C>G. VCF-style: chr20-63690312-C-G. GRCh37 (hg19) VCF-style: chr20-62321665-C-G.
Other names: c.1615C>G, p.Arg539Gly (NM_001283010.1); c.2284C>G, p.Arg762Gly (NM_016434.4); c.2356C>G, p.Arg786Gly (NM_032957.5); short protein forms R539G, R762G, R786G.
Identifiers: ClinVar variation 1060138 (VCV001060138.9), dbSNP rs750251447, ClinGen allele CA409680800.

ClinVar aggregate classification (germline): Uncertain significance. Review status: criteria provided, single submitter (1 of 4 stars). 2 submissions from 2 submitters: Uncertain significance (1). 1 of the submissions does not count toward it. Last evaluated 2023-12-18.

Conditions:
Dyskeratosis congenita. Identifiers: Orphanet 1775, MedGen C0265965, MONDO:0015780.
Pulmonary fibrosis and/or bone marrow failure, Telomere-related, 3. Also called: PULMONARY FIBROSIS AND/OR BONE MARROW FAILURE SYNDROME, TELOMERE-RELATED, 3. Identifiers: Orphanet 2032, MedGen C4225346, MONDO:0014613, OMIM 616373.
Dyskeratosis congenita, autosomal recessive 5 (DKCB5). Identifiers: MedGen C3554656, MONDO:0014076, OMIM 615190.

gnomAD v4.1: 1 of 1,607,738 alleles (0.000062%); highest among the groups gnomAD compares: Non-Finnish European, 0.000085%; no homozygotes.

Submissions (2):

Labcorp Genetics (formerly Invitae), Labcorp
Classification: Uncertain significance for Dyskeratosis congenita, autosomal recessive 5; Pulmonary fibrosis and/or bone marrow failure, Telomere-related, 3. Last evaluated: 2023-12-18. Review status: criteria provided, single submitter. Criteria: Invitae Variant Classification Sherloc (09022015). Collection method: clinical testing. Allele origin: germline.
Comment: This sequence change replaces arginine, which is basic and polar, with glycine, which is neutral and non-polar, at codon 762 of the RTEL1 protein (p.Arg762Gly). This variant is not present in population databases (gnomAD no frequency). This variant has not been reported in the literature in individuals affected with RTEL1-related conditions. ClinVar contains an entry for this variant (Variation ID: 1060138). An algorithm developed to predict the effect of missense changes on protein structure and function (PolyPhen-2) suggests that this variant¬¨‚Ä†is likely to be tolerated. In summary, the available evidence is currently insufficient to determine the role of this variant in disease. Therefore, it has been classified as a Variant of Uncertain Significance.

Natera, Inc.
Classification: Uncertain significance for Dyskeratosis congenita. Last evaluated: 2021-10-01. Review status: no assertion criteria provided. Collection method: clinical testing. Allele origin: germline. Not counted in ClinVar's aggregate classification.